The following is an entry in ClinVar:

NM_017644.3(KLHL24):c.758C>T (p.Thr253Ile)

Gene: KLHL24 (kelch like family member 24; plus strand). Cytogenetic location: 3q27.1.
Variant type: single nucleotide variant.
Coding change: c.758C>T on transcript NM_017644.3 (MANE Select); coding-DNA position 758, C replaced by T.
Protein change: p.Thr253Ile; replaces threonine 253 with isoleucine.
Molecular consequence: missense variant. On other transcripts: 5 prime UTR variant (2), non-coding transcript variant (2).
Genome position (GRCh38, 1-based): chr3:183,651,114, C>T. VCF-style: chr3-183651114-C-T. GRCh37 (hg19) VCF-style: chr3-183368902-C-T.
Other names: c.758C>T, p.Thr253Ile (NM_001349413.1, NM_001349414.1, NM_001349415.1 and 11 more transcripts); c.-209C>T (NM_001349428.1, NM_001349429.1); short protein forms T253I.
Identifiers: ClinVar variation 4977104 (VCV004977104.1).

ClinVar aggregate classification (germline): Uncertain significance (1 of 4 stars; one submission).

Conditions:
KLHL24-related disorder. Also called: KLHL24-related condition.

gnomAD v4.1: 27 of 1,614,052 alleles (0.0017%); highest among the groups gnomAD compares: African/African-American, 0.016%; no homozygotes.

Submission:

PreventionGenetics, part of Exact Sciences
Classification: Uncertain significance for KLHL24-related condition. Last evaluated: 2026-06-02. Review status: criteria provided, single submitter. Criteria: ACMG Guidelines, 2015. Collection method: clinical testing. Allele origin: germline.
Comment: The KLHL24 c.758C>T variant is predicted to result in the amino acid substitution p.Thr253Ile. To our knowledge, this variant has not been reported in the literature. This variant is reported in 0.025% of alleles in individuals of African descent in gnomAD. At this time, the clinical significance of this variant is uncertain due to the absence of conclusive functional and genetic evidence.